The following is an entry in ClinVar:

ClinVar aggregate classification (germline): Likely benign. Review status: criteria provided, multiple submitters, no conflicts (2 of 4 stars). 2 submissions from 2 submitters: Likely benign (2). Last evaluated 2026-08-04.

Conditions:
COL4A1-related disorder. Also called: COL4A1-related disorders; COL4A1-related condition. Identifiers: MedGen CN376119, MONDO:0800461.

Allele frequency attached by ClinVar (database versions not stated): gnomAD exomes below 0.00001; ExAC 0.00001.
gnomAD v4.1: 2 of 1,614,084 alleles (0.00012%); highest among the groups gnomAD compares: Admixed American, 0.0033%; no homozygotes.

Submissions (2):

PreventionGenetics, part of Exact Sciences
Classification: Likely benign for COL4A1-related condition. Last evaluated: 2026-08-04. Review status: criteria provided, single submitter. Criteria: ACMG Guidelines, 2015. Collection method: clinical testing. Allele origin: germline.
Comment: This variant is classified as likely benign based on ACMG/AMP sequence variant interpretation guidelines (Richards et al. 2015 PMID: 25741868, with internal and published modifications).

Labcorp Genetics (formerly Invitae), Labcorp
Classification: Likely benign. Last evaluated: 2025-06-24. Review status: criteria provided, single submitter. Criteria: Invitae Variant Classification Sherloc (09022015). Collection method: clinical testing. Allele origin: germline.

NM_001845.6(COL4A1):c.144+9C>T

Gene: COL4A1 (collagen type IV alpha 1 chain; minus strand). Cytogenetic location: 13q34.
Variant type: single nucleotide variant.
Coding change: c.144+9C>T on transcript NM_001845.6 (MANE Select); 9 bases into the intron after coding-DNA position 144, C replaced by T.
Molecular consequence: intron variant.
Genome position (GRCh38, 1-based): chr13:110,242,666, G>A on the plus strand (C>T on the coding strand, the complement: COL4A1 is on the minus strand). VCF-style: chr13-110242666-G-A. GRCh37 (hg19) VCF-style: chr13-110895013-G-A.
Other names: c.144+9C>T (NM_001845.5, NM_001303110.2).
Identifiers: ClinVar variation 2777375 (VCV002777375.4), dbSNP rs764037653, ClinGen allele CA7048664.
Genomic context (GRCh38, chr13:110,242,666, plus strand): 5'-TTACTGTTAATGTAGTACTTACTGTCCAATTCACAAAGAAATGTTGTGATTTAAATTTCG[G>A]CAACTCACCTTTTGTCCCTTCACTCCATGGCAGTCACATTTGCCACAGCCAGAGCCAGCA-3'